The following is an entry in ClinVar:

ClinVar aggregate classification (germline): Uncertain significance (1 of 4 stars; one submission).

Conditions:
Neuropathy, hereditary sensory and autonomic, type 2A (HSAN2A). Also called: ACROOSTEOLYSIS, GIACCAI TYPE; ACROOSTEOLYSIS, NEUROGENIC; MORVAN DISEASE; NEUROPATHY, CONGENITAL SENSORY; NEUROPATHY, HEREDITARY SENSORY RADICULAR, AUTOSOMAL RECESSIVE; NEUROPATHY, HEREDITARY SENSORY, TYPE IIA. Identifiers: Orphanet 970, MedGen C2752089, MONDO:0024309, OMIM 201300.
Generalized epilepsy with febrile seizures plus, type 7 (GEFSP7). Also called: GEFS+, TYPE 7. Identifiers: Orphanet 36387, MedGen C2751778, MONDO:0013470, OMIM 613863.

Submission:

Labcorp Genetics (formerly Invitae), Labcorp
Classification: Uncertain significance for Neuropathy, hereditary sensory and autonomic, type 2A; Generalized epilepsy with febrile seizures plus, type 7. Last evaluated: 2022-12-31. Review status: criteria provided, single submitter. Criteria: Invitae Variant Classification Sherloc (09022015). Collection method: clinical testing. Allele origin: germline.
Comment: In summary, the available evidence is currently insufficient to determine the role of this variant in disease. Therefore, it has been classified as a Variant of Uncertain Significance. Advanced modeling of protein sequence and biophysical properties (such as structural, functional, and spatial information, amino acid conservation, physicochemical variation, residue mobility, and thermodynamic stability) performed at Invitae indicates that this missense variant is not expected to disrupt SCN9A protein function. This variant has not been reported in the literature in individuals affected with SCN9A-related conditions. This variant is not present in population databases (gnomAD no frequency). This sequence change replaces aspartic acid, which is acidic and polar, with glycine, which is neutral and non-polar, at codon 890 of the SCN9A protein (p.Asp890Gly).

NM_001365536.1(SCN9A):c.2702A>G (p.Asp901Gly)

Genes: SCN1A-AS1 (SCN1A and SCN9A antisense RNA 1; plus strand), SCN9A (sodium voltage-gated channel alpha subunit 9; minus strand). Cytogenetic location: 2q24.3.
Variant type: single nucleotide variant.
Coding change: c.2702A>G on transcript NM_001365536.1 (MANE Select); coding-DNA position 2702, A replaced by G.
Protein change: p.Asp901Gly; replaces aspartic acid 901 with glycine.
Molecular consequence: missense variant. On other transcripts: non-coding transcript variant (1).
Genome position (GRCh38, 1-based): chr2:166,277,155, T>C on the plus strand (A>G on the coding strand, the complement: SCN9A is on the minus strand). VCF-style: chr2-166277155-T-C. GRCh37 (hg19) VCF-style: chr2-167133665-T-C.
Other names: c.2669A>G, p.Asp890Gly (NM_002977.4); short protein forms D901G, D890G.
Identifiers: ClinVar variation 2942830 (VCV002942830.3), dbSNP rs2468003011, ClinGen allele CA349077760.